The following is an entry in ClinVar:

NM_001386393.1(PANK2):c.883T>G (p.Tyr295Asp)

Gene: PANK2 (pantothenate kinase 2; plus strand). Cytogenetic location: 20p13.
Variant type: single nucleotide variant.
Coding change: c.883T>G on transcript NM_001386393.1 (MANE Select); coding-DNA position 883, T replaced by G.
Protein change: p.Tyr295Asp; replaces tyrosine 295 with aspartic acid.
Molecular consequence: missense variant. On other transcripts: 5 prime UTR variant (1), non-coding transcript variant (1).
Genome position (GRCh38, 1-based): chr20:3,910,808, T>G. VCF-style: chr20-3910808-T-G. GRCh37 (hg19) VCF-style: chr20-3891455-T-G.
Other names: c.340T>G, p.Tyr114Asp (NM_001324191.2, NM_024960.6, NM_153640.4); c.-96T>G (NM_001324193.2); c.1213T>G, p.Tyr405Asp (NM_153638.4); short protein forms Y114D, Y405D, Y295D.
Identifiers: ClinVar variation 995568 (VCV000995568.13), dbSNP rs1288629241, ClinGen allele CA408115694.

ClinVar aggregate classification (germline): Conflicting classifications of pathogenicity. Review status: criteria provided, conflicting classifications (1 of 4 stars). 3 submissions from 3 submitters: Pathogenic (2); Uncertain significance (1). Last evaluated 2022-12-27.

Conditions:
Pigmentary pallidal degeneration (NBIA1). Also called: Neurodegeneration with brain iron accumulation 1; HARP SYNDROME; PKAN NEUROAXONAL DYSTROPHY, JUVENILE-ONSET; Pantothenate Kinase-Associated Neurodegeneration; Neuroaxonal dystrophy, late infantile; Hallervorden-Spatz disease. Identifiers: Orphanet 157850, MedGen C0018523, MONDO:0009319, OMIM 234200.
PANK2-related disorder. Also called: PANK2-related condition.

Allele frequency attached by ClinVar (database versions not stated): gnomAD exomes below 0.00001; TOPMed below 0.00001.
gnomAD v4.1: 2 of 1,614,156 alleles (0.00012%); highest among the groups gnomAD compares: Non-Finnish European, 0.000085%; no homozygotes.

Submissions (3):

Blueprint Genetics
Classification: Pathogenic for PANK2-related disorders. Last evaluated: 2022-12-27. Review status: criteria provided, single submitter. Criteria: ACMG Guidelines, 2015. Collection method: clinical testing. Allele origin: germline. Affected: yes. Observed: 1 variant allele.

Laboratory for Molecular Genetic Diagnostic of Neurological Diseases, University of Belgrade, School of Medicine
Classification: Pathogenic for Pigmentary pallidal degeneration. Last evaluated: 2020-07-01. Review status: criteria provided, single submitter. Criteria: ACMG Guidelines, 2015. Collection method: clinical testing. Allele origin: germline. Inheritance: Autosomal recessive inheritance. Affected: yes. Observed: 1 variant allele, 1 compound heterozygote.

Labcorp Genetics (formerly Invitae), Labcorp
Classification: Uncertain significance for Pigmentary pallidal degeneration. Last evaluated: 2020-02-11. Review status: criteria provided, single submitter. Criteria: Invitae Variant Classification Sherloc (09022015). Collection method: clinical testing. Allele origin: germline.
Comment: In summary, the available evidence is currently insufficient to determine the role of this variant in disease. Therefore, it has been classified as a Variant of Uncertain Significance. Algorithms developed to predict the effect of missense changes on protein structure and function (SIFT, PolyPhen-2, Align-GVGD) all suggest that this variant is likely to be disruptive, but these predictions have not been confirmed by published functional studies and their clinical significance is uncertain. This variant has not been reported in the literature in individuals with PANK2-related conditions. This variant is not present in population databases (ExAC no frequency). This sequence change replaces tyrosine with aspartic acid at codon 405 of the PANK2 protein (p.Tyr405Asp). The tyrosine residue is highly conserved and there is a large physicochemical difference between tyrosine and aspartic acid.